The following is an entry in ClinVar:

ClinVar aggregate classification (germline): Uncertain significance (1 of 4 stars; one submission).

Conditions:
Combined oxidative phosphorylation defect type 17. Also called: Combined oxidative phosphorylation deficiency 17. Identifiers: Orphanet 369913, MedGen C3809526, MONDO:0014190, OMIM 615440.

gnomAD v4.1: 1 of 1,613,994 alleles (0.000062%); no homozygotes.

Submission:

Labcorp Genetics (formerly Invitae), Labcorp
Classification: Uncertain significance for Combined oxidative phosphorylation defect type 17. Last evaluated: 2022-04-01. Review status: criteria provided, single submitter. Criteria: Invitae Variant Classification Sherloc (09022015). Collection method: clinical testing. Allele origin: germline.
Comment: Algorithms developed to predict the effect of missense changes on protein structure and function (SIFT, PolyPhen-2, Align-GVGD) all suggest that this variant is likely to be disruptive. In summary, the available evidence is currently insufficient to determine the role of this variant in disease. Therefore, it has been classified as a Variant of Uncertain Significance. This variant has not been reported in the literature in individuals affected with ELAC2-related conditions. This variant is not present in population databases (gnomAD no frequency). This sequence change replaces threonine, which is neutral and polar, with alanine, which is neutral and non-polar, at codon 667 of the ELAC2 protein (p.Thr667Ala).

NM_018127.7(ELAC2):c.1999A>G (p.Thr667Ala)

Gene: ELAC2 (elaC ribonuclease Z 2; minus strand). Cytogenetic location: 17p12.
Variant type: single nucleotide variant.
Coding change: c.1999A>G on transcript NM_018127.7 (MANE Select); coding-DNA position 1999, A replaced by G.
Protein change: p.Thr667Ala; replaces threonine 667 with alanine.
Molecular consequence: missense variant.
Genome position (GRCh38, 1-based): chr17:12,994,794, T>C on the plus strand (A>G on the coding strand, the complement: ELAC2 is on the minus strand). VCF-style: chr17-12994794-T-C. GRCh37 (hg19) VCF-style: chr17-12898111-T-C.
Other names: c.1879A>G, p.Thr627Ala (NM_001165962.2); c.1996A>G, p.Thr666Ala (NM_173717.2); short protein forms T666A, T667A, T627A.
Identifiers: ClinVar variation 2120413 (VCV002120413.4), dbSNP rs2508221824, ClinGen allele CA398223051.
Genomic context (GRCh38, chr17:12,994,794, plus strand): 5'-TCAGGGTGGCTTGCTTCTTCCTCTACTCACCCATCCGGACCAGAGCCTCGCAGGGCATGG[T>C]GTCCCCGGAATAGACCACTTTCCAGCCAGAGGTGTGCACCAGCGCACAGCCAAACGCATG-3'
Protein context (NP_060597.4, residues 657-677): SGWKVVYSGD[Thr667Ala]MPCEALVRMG